The following is an entry in ClinVar:

ClinVar aggregate classification (germline): Uncertain significance. Review status: criteria provided, multiple submitters, no conflicts (2 of 4 stars). 2 submissions from 2 submitters: Uncertain significance (2). Last evaluated 2025-08-13.

Conditions:
Neurodevelopmental disorder with or without anomalies of the brain, eye, or heart (NEDBEH). Identifiers: Orphanet 494344, MedGen C5567477, MONDO:0014857, OMIM 616975.

Submissions (2):

GeneDx
Classification: Uncertain significance. Last evaluated: 2025-08-13. Review status: criteria provided, single submitter. Criteria: GeneDx Variant Classification Process June 2021. Collection method: clinical testing. Allele origin: germline. Affected: yes.
Comment: Not observed at significant frequency in large population cohorts (gnomAD); In silico analysis supports that this missense variant has a deleterious effect on protein structure/function; Has not been previously published as pathogenic or benign to our knowledge

Laboratorio de Genetica e Diagnostico Molecular, Hospital Israelita Albert Einstein
Classification: Uncertain significance for Neurodevelopmental disorder with or without anomalies of the brain, eye, or heart. Last evaluated: 2021-10-14. Review status: criteria provided, single submitter. Criteria: ACMG Guidelines, 2015. Collection method: clinical testing. Allele origin: germline. Affected: yes.
Comment: ACMG classification criteria: PM2 moderate, BP4 supporting

NM_001042681.2(RERE):c.1343G>A (p.Arg448Gln)

Gene: RERE (arginine-glutamic acid dipeptide repeats; minus strand). Cytogenetic location: 1p36.23.
Variant type: single nucleotide variant.
Coding change: c.1343G>A on transcript NM_001042681.2 (MANE Select); coding-DNA position 1343, G replaced by A.
Protein change: p.Arg448Gln; replaces arginine 448 with glutamine.
Molecular consequence: missense variant. On other transcripts: 5 prime UTR variant (1).
Genome position (GRCh38, 1-based): chr1:8,365,916, C>T on the plus strand (G>A on the coding strand, the complement: RERE is on the minus strand). VCF-style: chr1-8365916-C-T. GRCh37 (hg19) VCF-style: chr1-8425976-C-T.
Other names: c.1343G>A (NM_012102.3); c.-320G>A (NM_001042682.2); c.1343G>A, p.Arg448Gln (NM_012102.4); short protein forms R448Q.
Identifiers: ClinVar variation 1683525 (VCV001683525.3), dbSNP rs2124378791, ClinGen allele CA338174999.